The following is an entry in ClinVar:

ClinVar aggregate classification (germline): Conflicting classifications of pathogenicity. Review status: criteria provided, conflicting classifications (1 of 4 stars). 2 submissions from 2 submitters: Uncertain significance (1); Likely benign (1). Last evaluated 2025-10-24.

Conditions:
Tuberous sclerosis 2 (TSC2). Identifiers: Orphanet 805, MedGen C1860707, MONDO:0013199, OMIM 613254.
Tuberous sclerosis syndrome (TSC). Also called: Tuberous sclerosis; Tuberous Sclerosis Complex. Identifiers: Orphanet 805, MedGen C0041341, MONDO:0001734.

Allele frequency attached by ClinVar (database versions not stated): ESP Exome Variant Server 0.00008.
gnomAD v4.1: 1 of 1,611,740 alleles (0.000062%); highest among the groups gnomAD compares: African/African-American, 0.0013%; no homozygotes.

Submissions (2):

Labcorp Genetics (formerly Invitae), Labcorp
Classification: Likely benign for Tuberous sclerosis 2. Last evaluated: 2025-10-24. Review status: criteria provided, single submitter. Criteria: Invitae Variant Classification Sherloc (09022015). Collection method: clinical testing. Allele origin: germline.

All of Us Research Program, National Institutes of Health
Classification: Uncertain significance for Tuberous sclerosis syndrome. Last evaluated: 2024-08-23. Review status: criteria provided, single submitter. Criteria: ACMG Guidelines, 2015. Collection method: clinical testing. Allele origin: germline. Inheritance: Autosomal dominant inheritance. Observed: 1 variant allele, 1 heterozygote.
Comment: This variant causes a T to G nucleotide substitution at the -15 position of intron 22 of the TSC2 gene. Splice site prediction tools suggest that this variant may impact RNA splicing. To our knowledge, functional studies have not been reported for this variant. This variant has not been reported in individuals affected with TSC2-related disorders in the literature. This variant has been identified in 1/248866 chromosomes in the general population by the Genome Aggregation Database (gnomAD). The available evidence is insufficient to determine the role of this variant in disease conclusively. Therefore, this variant is classified as a Variant of Uncertain Significance.

This study involves interpretation of variants in research participants for the purpose of population health screening. Participant phenotype was not available at the time of variant classification. Additional details can be found in publication PMID: 35346344, PMCID: PMC8962531

NM_000548.5(TSC2):c.2546-15T>G

Gene: TSC2 (TSC complex subunit 2; plus strand). Cytogenetic location: 16p13.3.
Variant type: single nucleotide variant.
Coding change: c.2546-15T>G on transcript NM_000548.5 (MANE Select); 15 bases into the intron before coding-DNA position 2546, T replaced by G.
Molecular consequence: intron variant.
Genome position (GRCh38, 1-based): chr16:2,075,784, T>G. VCF-style: chr16-2075784-T-G. GRCh37 (hg19) VCF-style: chr16-2125785-T-G.
Other names: c.2546-15T>G (NM_001114382.3, NM_021055.3, NM_001370405.1 and 3 more transcripts); c.2435-15T>G (NM_001318827.2); c.1946-15T>G (NM_001318831.2); c.2399-15T>G (NM_001318829.2); c.2579-15T>G (NM_001318832.2).
Identifiers: ClinVar variation 1576060 (VCV001576060.9), dbSNP rs371256839, ClinGen allele CA039704.
Genomic context (GRCh38, chr16:2,075,784, plus strand): 5'-CAGAGCAGCCGTGTTGGCCTTCAGAGGCGCTGCACGGGACCCCGGCTCCCCTGACCACCC[T>G]CTCCATTACCGCAGCTCTGGCCAGGCTGCCGCACCTCTACAGGAACTTTGCCGCGGAGCA-3'